The following is an entry in ClinVar:

NM_001001557.4(GDF6):c.*767T>C

Gene: GDF6 (growth differentiation factor 6; minus strand). Cytogenetic location: 8q22.1.
Variant type: single nucleotide variant.
Coding change: c.*767T>C on transcript NM_001001557.4 (MANE Select); 767 bases downstream of the stop codon, T replaced by C.
Molecular consequence: 3 prime UTR variant.
Genome position (GRCh38, 1-based): chr8:96,143,796, A>G on the plus strand (T>C on the coding strand, the complement: GDF6 is on the minus strand). VCF-style: chr8-96143796-A-G. GRCh37 (hg19) VCF-style: chr8-97156024-A-G.
Identifiers: ClinVar variation 364019 (VCV000364019.5), dbSNP rs569599062, ClinGen allele CA10625950.

ClinVar aggregate classification (germline): Benign (1 of 4 stars; one submission).

Conditions:
Klippel-Feil syndrome 1, autosomal dominant (KFS1). Also called: CERVICAL VERTEBRAL FUSION, AUTOSOMAL DOMINANT. Identifiers: Orphanet 2345, MedGen C1861689, MONDO:0007306, OMIM 118100.

Allele frequency attached by ClinVar (database versions not stated): 1000 Genomes Project 0.00120; 1000 Genomes Project 30x 0.00172; TOPMed 0.00235; gnomAD 0.00359 and 0.00369; gnomAD exomes 0.01242.
gnomAD v4.1: 559 of 153,186 alleles (0.36%); highest among the groups gnomAD compares: Non-Finnish European, 0.47%; 4 homozygotes.

Submission:

Illumina Laboratory Services, Illumina
Classification: Benign for Klippel-Feil syndrome 1, autosomal dominant. Last evaluated: 2018-01-13. Review status: criteria provided, single submitter. Criteria: ICSL Variant Classification Criteria 13 December 2019. Collection method: clinical testing. Allele origin: germline.
Comment: This variant was observed in the ICSL laboratory as part of a predisposition screen in an ostensibly healthy population. It had not been previously curated by ICSL or reported in the Human Gene Mutation Database (HGMD: prior to June 1st, 2018), and was therefore a candidate for classification through an automated scoring system. Utilizing variant allele frequency, disease prevalence and penetrance estimates, and inheritance mode, an automated score was calculated to assess if this variant is too frequent to cause the disease. Based on the score and internal cut-off values, a variant classified as benign is not then subjected to further curation. The score for this variant resulted in a classification of benign for this disease.